The following is an entry in ClinVar:

NM_000057.4(BLM):c.3039T>A (p.His1013Gln)

Gene: BLM (BLM RecQ like helicase; plus strand). Cytogenetic location: 15q26.1.
Variant type: single nucleotide variant.
Coding change: c.3039T>A on transcript NM_000057.4 (MANE Select); coding-DNA position 3039, T replaced by A.
Protein change: p.His1013Gln; replaces histidine 1013 with glutamine.
Molecular consequence: missense variant.
Genome position (GRCh38, 1-based): chr15:90,794,186, T>A. VCF-style: chr15-90794186-T-A. GRCh37 (hg19) VCF-style: chr15-91337416-T-A.
Other names: c.3039T>A, p.His1013Gln (NM_001287246.2, NM_001287247.2); c.1914T>A, p.His638Gln (NM_001287248.2); short protein forms H1013Q, H638Q.
Identifiers: ClinVar variation 2561130 (VCV002561130.2), dbSNP rs747406569, ClinGen allele CA393846692.

ClinVar aggregate classification (germline): Uncertain significance (1 of 4 stars; one submission).

Conditions:
Hereditary cancer-predisposing syndrome. Also called: Neoplastic Syndromes, Hereditary; Hereditary Cancer Syndrome; Hereditary neoplastic syndrome; Tumor predisposition. Identifiers: Orphanet 140162, MedGen C0027672, MeSH D009386, MONDO:0015356.

Submission:

Ambry Genetics
Classification: Uncertain significance for Hereditary cancer-predisposing syndrome. Last evaluated: 2023-04-14. Review status: criteria provided, single submitter. Criteria: Ambry Variant Classification Scheme 2023. Collection method: clinical testing. Allele origin: germline.
Comment: The p.H1013Q variant (also known as c.3039T>A), located in coding exon 15 of the BLM gene, results from a T to A substitution at nucleotide position 3039. The histidine at codon 1013 is replaced by glutamine, an amino acid with highly similar properties. This amino acid position is conserved. In addition, this alteration is predicted to be tolerated by in silico analysis. Since supporting evidence is limited at this time, the clinical significance of this alteration remains unclear.